The following is an entry in ClinVar:

ClinVar aggregate classification (germline): Pathogenic (1 of 4 stars; one submission).

Conditions:
Alport syndrome. Also called: Hemorrhagic familial nephritis; Hemorrhagic hereditary nephritis; Congenital hereditary hematuria. Identifiers: Orphanet 63, MedGen C1567741, MONDO:0018965.

Submission:

Myriad Genetics, Inc.
Classification: Pathogenic for Alport syndrome. Last evaluated: 2025-08-04. Review status: criteria provided, single submitter. Criteria: Myriad Autosomal Dominant, Autosomal Recessive and X-Linked Classification Criteria (2023). Collection method: clinical testing. Allele origin: unknown.
Comment: NM_000092.4(COL4A4):c.178G>T(E60*) is expected to be pathogenic in the context of Alport syndrome, COL4A4-related. This variant is predicted to lead to an abnormal or absent protein product due to the creation of a premature termination codon in COL4A4, a gene where loss-of-function variants are known to be pathogenic. Please note: this variant was assessed in the context of healthy population screening.

NM_000092.5(COL4A4):c.178G>T (p.Glu60Ter)

Gene: COL4A4 (collagen type IV alpha 4 chain; minus strand). Cytogenetic location: 2q36.3.
Variant type: single nucleotide variant.
Coding change: c.178G>T on transcript NM_000092.5 (MANE Select); coding-DNA position 178, G replaced by T.
Protein change: p.Glu60Ter; replaces glutamic acid 60 with a stop codon.
Molecular consequence: nonsense.
Genome position (GRCh38, 1-based): chr2:227,140,175, C>A on the plus strand (G>T on the coding strand, the complement: COL4A4 is on the minus strand). VCF-style: chr2-227140175-C-A. GRCh37 (hg19) VCF-style: chr2-228004891-C-A.
Other names: short protein forms E60*.
Identifiers: ClinVar variation 5014815 (VCV005014815.1).